The following is an entry in ClinVar:

NM_000352.6(ABCC8):c.429G>A (p.Trp143Ter)

Gene: ABCC8 (ATP binding cassette subfamily C member 8; minus strand). Cytogenetic location: 11p15.1.
Variant type: single nucleotide variant.
Coding change: c.429G>A on transcript NM_000352.6 (MANE Select); coding-DNA position 429, G replaced by A.
Protein change: p.Trp143Ter; replaces tryptophan 143 with a stop codon.
Molecular consequence: nonsense. On other transcripts: non-coding transcript variant (1).
Genome position (GRCh38, 1-based): chr11:17,463,588, C>T on the plus strand (G>A on the coding strand, the complement: ABCC8 is on the minus strand). VCF-style: chr11-17463588-C-T. GRCh37 (hg19) VCF-style: chr11-17485135-C-T.
Other names: c.429G>A, p.Trp143Ter (NM_001287174.3, NM_001351295.2, NM_001351296.2 and 1 more transcripts); short protein forms W143*.
Identifiers: ClinVar variation 2735553 (VCV002735553.3), dbSNP rs2496866040, ClinGen allele CA379780525.
Genomic context (GRCh38, chr11:17,463,588, plus strand): 5'-GCCGATGGCGTGGTCCAAGAACTTGACAAACTTGATGGTCTTGGTGATGAAGGCCAGGGT[C>T]CAATACACCAGCAGGGCTGCCGAGGAGAGATGGAAGATCGCAGAGACGTGTGTGCATCAT-3'

ClinVar aggregate classification (germline): Pathogenic (1 of 4 stars; one submission).

Submission:

Labcorp Genetics (formerly Invitae), Labcorp
Classification: Pathogenic. Last evaluated: 2023-09-27. Review status: criteria provided, single submitter. Criteria: Invitae Variant Classification Sherloc (09022015). Collection method: clinical testing. Allele origin: germline.
Comment: This sequence change creates a premature translational stop signal (p.Trp143*) in the ABCC8 gene. It is expected to result in an absent or disrupted protein product. Loss-of-function variants in ABCC8 are known to be pathogenic (PMID: 20685672, 23345197). This variant is not present in population databases (gnomAD no frequency). This premature translational stop signal has been observed in individuals with congenital hyperinsulinism (PMID: 20685672, 23275527, 30352420). For these reasons, this variant has been classified as Pathogenic.

Literature cited by the submitters: PubMed 20685672; PubMed 23345197; PubMed 23275527; PubMed 30352420.